The following is an entry in ClinVar:

ClinVar aggregate classification (germline): Uncertain significance (1 of 4 stars; one submission).

Conditions:
Neutral lipid storage myopathy (NLSDM). Also called: NEUTRAL LIPID STORAGE DISEASE WITHOUT ICHTHYOSIS. Identifiers: Orphanet 98908, MedGen C1853136, MONDO:0012545, OMIM 610717.

Allele frequency attached by ClinVar (database versions not stated): ExAC 0.00003.
gnomAD v4.1: 3 of 1,599,296 alleles (0.00019%); highest among the groups gnomAD compares: South Asian, 0.0034%; no homozygotes.

Submission:

Labcorp Genetics (formerly Invitae), Labcorp
Classification: Uncertain significance for Neutral lipid storage myopathy. Last evaluated: 2025-04-28. Review status: criteria provided, single submitter. Criteria: Invitae Variant Classification Sherloc (09022015). Collection method: clinical testing. Allele origin: germline.
Comment: This sequence change replaces histidine, which is basic and polar, with aspartic acid, which is acidic and polar, at codon 295 of the PNPLA2 protein (p.His295Asp). This variant is present in population databases (rs776306473, gnomAD 0.007%). This variant has not been reported in the literature in individuals affected with PNPLA2-related conditions. ClinVar contains an entry for this variant (Variation ID: 2010097). Invitae Evidence Modeling of protein sequence and biophysical properties (such as structural, functional, and spatial information, amino acid conservation, physicochemical variation, residue mobility, and thermodynamic stability) indicates that this missense variant is not expected to disrupt PNPLA2 protein function with a negative predictive value of 80%. In summary, the available evidence is currently insufficient to determine the role of this variant in disease. Therefore, it has been classified as a Variant of Uncertain Significance.

NM_020376.4(PNPLA2):c.883C>G (p.His295Asp)

Gene: PNPLA2 (patatin like domain 2, triacylglycerol lipase; plus strand). Cytogenetic location: 11p15.5.
Variant type: single nucleotide variant.
Coding change: c.883C>G on transcript NM_020376.4 (MANE Select); coding-DNA position 883, C replaced by G.
Protein change: p.His295Asp; replaces histidine 295 with aspartic acid.
Molecular consequence: missense variant.
Genome position (GRCh38, 1-based): chr11:823,819, C>G. VCF-style: chr11-823819-C-G. GRCh37 (hg19) VCF-style: chr11-823819-C-G.
Other names: short protein forms H295D.
Identifiers: ClinVar variation 2010097 (VCV002010097.4), dbSNP rs776306473, ClinGen allele CA5791212.